The following is an entry in ClinVar:

ClinVar aggregate classification (germline): Pathogenic (1 of 4 stars; one submission).

Conditions:
Hereditary spastic paraplegia 45. Also called: Spastic paraplegia 45, autosomal recessive; SPASTIC PARAPLEGIA 45. Identifiers: Orphanet 320396, MedGen C3888209, MONDO:0013165, OMIM 613162.

Submission:

Labcorp Genetics (formerly Invitae), Labcorp
Classification: Pathogenic for Hereditary spastic paraplegia 45. Last evaluated: 2025-04-10. Review status: criteria provided, single submitter. Criteria: Invitae Variant Classification Sherloc (09022015). Collection method: clinical testing. Allele origin: germline.
Comment: This sequence change inserts a large fragment of DNA, likely a transposable element, in exon 16 of the NT5C2 gene (c.1167_1168ins?), causing a frameshift at codon 390 (p.Glu390fs). The exact size and sequence of the insertion cannot be determined by the current assay. However, the insertion is expected to result in an absent or disrupted protein product. This variant is not present in population databases (gnomAD no frequency). This variant has not been reported in the literature in individuals affected with NT5C2-related conditions. Retrotransposon insertions including LINE1 (L1), Alu, and SVA (SINE-VNTR-Alu) have been reported to be disease-causing through disruption of either a coding region or splice site (PMID: 19763152, 20307669, 22406018) and loss-of-function variants in NT5C2 are known to be pathogenic (PMID: 24482476). For these reasons, this variant has been classified as Pathogenic.

Literature cited by the submitters: PubMed 19763152; PubMed 20307669; PubMed 22406018; PubMed 24482476.

NC_000010.11:g.103091621_103091622insCCATCCTGGCTAACAAGGTGAAACCCCGTCTCTACTAAAAATACAAAAAATTAGCCGGGCGCGGTGGCGGGCNNNNNNNNNNAAAAAAAAAAAAAAAAAAAAGAAAAGTGCTAGTT

Gene: NT5C2 (5'-nucleotidase, cytosolic II; minus strand). Cytogenetic location: 10q24.32.
Variant type: Insertion.
Genome position: GRCh38: chr10:103,091,621-103,091,622. GRCh37 (hg19): chr10:104,851,378-104,851,379.
Identifiers: ClinVar variation 4717088 (VCV004717088.1).